The following is an entry in ClinVar:

ClinVar aggregate classification (germline): Uncertain significance. Review status: criteria provided, multiple submitters, no conflicts (2 of 4 stars). 2 submissions from 2 submitters: Uncertain significance (2). Last evaluated 2025-05-23.

Conditions:
Inborn genetic diseases. Identifiers: MedGen C0950123, MeSH D030342.
COG1 congenital disorder of glycosylation (CDG2G). Also called: CONGENITAL DISORDER OF GLYCOSYLATION, TYPE IIg; CDG IIg; CDGII/COG1 CEREBROCOSTOMANDIBULAR-LIKE SYNDROME. Identifiers: Orphanet 263508, MedGen C2931011, MONDO:0012637, OMIM 611209.

Allele frequency attached by ClinVar (database versions not stated): ExAC 0.00003; gnomAD exomes 0.00005; TOPMed 0.00006; gnomAD 0.00009; ESP Exome Variant Server 0.00015.
gnomAD v4.1: 87 of 1,614,090 alleles (0.0054%); highest among the groups gnomAD compares: Non-Finnish European, 0.0072%; no homozygotes.

Submissions (2):

Ambry Genetics
Classification: Uncertain significance for Inborn genetic diseases. Last evaluated: 2025-05-23. Review status: criteria provided, single submitter. Criteria: Ambry Variant Classification Scheme 2023. Collection method: clinical testing. Allele origin: germline.

Labcorp Genetics (formerly Invitae), Labcorp
Classification: Uncertain significance for COG1 congenital disorder of glycosylation. Last evaluated: 2024-05-10. Review status: criteria provided, single submitter. Criteria: Invitae Variant Classification Sherloc (09022015). Collection method: clinical testing. Allele origin: germline.
Comment: This sequence change replaces threonine, which is neutral and polar, with proline, which is neutral and non-polar, at codon 395 of the COG1 protein (p.Thr395Pro). This variant is present in population databases (rs202127829, gnomAD 0.006%). This variant has not been reported in the literature in individuals affected with COG1-related conditions. ClinVar contains an entry for this variant (Variation ID: 2059168). Advanced modeling of protein sequence and biophysical properties (such as structural, functional, and spatial information, amino acid conservation, physicochemical variation, residue mobility, and thermodynamic stability) performed at Invitae indicates that this missense variant is not expected to disrupt COG1 protein function with a negative predictive value of 80%. In summary, the available evidence is currently insufficient to determine the role of this variant in disease. Therefore, it has been classified as a Variant of Uncertain Significance.

NM_018714.3(COG1):c.1183A>C (p.Thr395Pro)

Genes: COG1 (component of oligomeric golgi complex 1; plus strand), LOC126862634 (CDK7 strongly-dependent group 2 enhancer GRCh37_chr17:71195948-71197147; plus strand). Cytogenetic location: 17q25.1.
Variant type: single nucleotide variant.
Coding change: c.1183A>C on transcript NM_018714.3 (MANE Select); coding-DNA position 1183, A replaced by C.
Protein change: p.Thr395Pro; replaces threonine 395 with proline.
Molecular consequence: missense variant.
Genome position (GRCh38, 1-based): chr17:73,200,678, A>C. VCF-style: chr17-73200678-A-C. GRCh37 (hg19) VCF-style: chr17-71196817-A-C.
Other names: c.1183A>C (NM_018714.2); short protein forms T395P.
Identifiers: ClinVar variation 2059168 (VCV002059168.5), dbSNP rs202127829, ClinGen allele CA8740168.